The following is an entry in ClinVar:

NC_000005.9:g.(?_127685029)_(127686707_?)del

Gene: FBN2 (fibrillin 2; minus strand). Cytogenetic location: 5q23.3.
Variant type: Deletion.
Identifiers: ClinVar variation 1035722 (VCV001035722.8).

ClinVar aggregate classification (germline): Uncertain significance (1 of 4 stars; one submission).

Conditions:
Congenital contractural arachnodactyly (CCA). Also called: BEALS SYNDROME; Beals-Hecht syndrome; Arthrogryposis, distal, type 9. Identifiers: Orphanet 115, MedGen C0220668, MONDO:0007363, OMIM 121050.

Submission:

Labcorp Genetics (formerly Invitae), Labcorp
Classification: Uncertain significance for Congenital contractural arachnodactyly. Last evaluated: 2022-08-23. Review status: criteria provided, single submitter. Criteria: Invitae Variant Classification Sherloc (09022015). Collection method: clinical testing. Allele origin: germline.
Comment: This variant is a gross deletion of the genomic region encompassing exon(s) 21-23 of the FBN2 gene. This variant would be expected to be in-frame, preserving the integrity of the reading frame. This variant has not been reported in the literature in individuals affected with FBN2-related conditions. Experimental studies and prediction algorithms are not available or were not evaluated, and the functional significance of this variant is currently unknown. In summary, the available evidence is currently insufficient to determine the role of this variant in disease. Therefore, it has been classified as a Variant of Uncertain Significance.